The following is an entry in ClinVar:

ClinVar aggregate classification (germline): Uncertain significance. Review status: criteria provided, multiple submitters, no conflicts (2 of 4 stars). 3 submissions from 3 submitters: Uncertain significance (3). Last evaluated 2024-11-19.

Conditions:
Epidermodysplasia verruciformis. Identifiers: Orphanet 302, MedGen C0014522, MONDO:0009176.
Inborn genetic diseases. Identifiers: MedGen C0950123, MeSH D030342.

Allele frequency attached by ClinVar (database versions not stated): gnomAD exomes below 0.00001.
gnomAD v4.1: 3 of 1,608,782 alleles (0.00019%); highest among the groups gnomAD compares: Non-Finnish European, 0.00025%; no homozygotes.

Submissions (3):

Blueprint Genetics
Classification: Uncertain significance. Last evaluated: 2024-11-19. Review status: criteria provided, single submitter. Criteria: ACMG Guidelines, 2015. Collection method: clinical testing. Allele origin: germline.

Labcorp Genetics (formerly Invitae), Labcorp
Classification: Uncertain significance for Epidermodysplasia verruciformis. Last evaluated: 2024-10-21. Review status: criteria provided, single submitter. Criteria: Invitae Variant Classification Sherloc (09022015). Collection method: clinical testing. Allele origin: germline.
Comment: This sequence change replaces serine, which is neutral and polar, with proline, which is neutral and non-polar, at codon 247 of the TMC6 protein (p.Ser247Pro). This variant is present in population databases (no rsID available, gnomAD 0.001%). This variant has not been reported in the literature in individuals affected with TMC6-related conditions. ClinVar contains an entry for this variant (Variation ID: 662147). An algorithm developed to predict the effect of missense changes on protein structure and function (PolyPhen-2) suggests that this variant is likely to be disruptive. In summary, the available evidence is currently insufficient to determine the role of this variant in disease. Therefore, it has been classified as a Variant of Uncertain Significance.

Ambry Genetics
Classification: Uncertain significance for Inborn genetic diseases. Last evaluated: 2023-02-01. Review status: criteria provided, single submitter. Criteria: Ambry Variant Classification Scheme 2023. Collection method: clinical testing. Allele origin: germline.

NM_001127198.5(TMC6):c.739T>C (p.Ser247Pro)

Gene: TMC6 (transmembrane channel like 6; minus strand). Cytogenetic location: 17q25.3.
Variant type: single nucleotide variant.
Coding change: c.739T>C on transcript NM_001127198.5 (MANE Select); coding-DNA position 739, T replaced by C.
Protein change: p.Ser247Pro; replaces serine 247 with proline.
Molecular consequence: missense variant. On other transcripts: non-coding transcript variant (4).
Genome position (GRCh38, 1-based): chr17:78,124,676, A>G on the plus strand (T>C on the coding strand, the complement: TMC6 is on the minus strand). VCF-style: chr17-78124676-A-G. GRCh37 (hg19) VCF-style: chr17-76120757-A-G.
Other names: c.739T>C (NM_007267.6); c.739T>C, p.Ser247Pro (NM_001321185.1, NM_001374593.1, NM_001374594.1 and 4 more transcripts); short protein forms S247P.
Identifiers: ClinVar variation 662147 (VCV000662147.11), dbSNP rs1469859349, ClinGen allele CA401232801.